The following is an entry in ClinVar:

ClinVar aggregate classification (germline): Uncertain significance (1 of 4 stars; one submission).

Conditions:
Inborn genetic diseases. Identifiers: MedGen C0950123, MeSH D030342.

Submission:

Ambry Genetics
Classification: Uncertain significance for Inborn genetic diseases. Last evaluated: 2024-12-17. Review status: criteria provided, single submitter. Criteria: Ambry Variant Classification Scheme 2023. Collection method: clinical testing. Allele origin: germline.
Comment: The p.V187I variant (also known as c.559G>A), located in coding exon 4 of the ANKRD26 gene, results from a G to A substitution at nucleotide position 559. The valine at codon 187 is replaced by isoleucine, an amino acid with highly similar properties. This amino acid position is conserved. In addition, this alteration is predicted to be tolerated by in silico analysis. Based on the available evidence, the clinical significance of this variant remains unclear.

NM_014915.3(ANKRD26):c.559G>A (p.Val187Ile)

Gene: ANKRD26 (ankyrin repeat domain containing 26; minus strand). Cytogenetic location: 10p12.1.
Variant type: single nucleotide variant.
Coding change: c.559G>A on transcript NM_014915.3 (MANE Select); coding-DNA position 559, G replaced by A.
Protein change: p.Val187Ile; replaces valine 187 with isoleucine.
Molecular consequence: missense variant.
Genome position (GRCh38, 1-based): chr10:27,092,485, C>T on the plus strand (G>A on the coding strand, the complement: ANKRD26 is on the minus strand). VCF-style: chr10-27092485-C-T. GRCh37 (hg19) VCF-style: chr10-27381414-C-T.
Other names: c.559G>A, p.Val187Ile (NM_001256053.2); short protein forms V187I.
Identifiers: ClinVar variation 3869346 (VCV003869346.1).